The following is an entry in ClinVar:

NM_001034853.2(RPGR):c.3002AAG[1] (p.Glu1002del)

Gene: RPGR (retinitis pigmentosa GTPase regulator; minus strand). Cytogenetic location: Xp11.4.
Variant type: Microsatellite.
Coding change: c.3002AAG[1] on transcript NM_001034853.2 (MANE Select); one copy of the 3-base unit AAG starting at c.3002; the reference has two copies in a row; one copy, 3 bases deleted.
Protein change: p.Glu1002del; deletes glutamic acid 1002.
Molecular consequence: inframe deletion. On other transcripts: intron variant (8).
Genome position (GRCh38, 1-based): chrX:38,285,992-38,285,994, CTT deleted on the plus strand (AAG on the coding strand, the reverse complement: RPGR is on the minus strand); deleting any 3 consecutive bases within chrX:38,285,992-38,285,998 gives the same sequence; the position shown is the placement nearest the transcript's 3' end. VCF-style (leftmost placement, unchanged base first): chrX-38285991-CCTT-C. GRCh37 (hg19) VCF-style: chrX-38145244-CCTT-C.
Other names: c.1569+4965_1569+4967del (NM_001367249.1, NM_001367250.1); c.1902+1100_1902+1102del (NM_001367245.1); c.1386+4965_1386+4967del (NM_001367251.1); c.1719+1100_1719+1102del (NM_001367246.1); c.1572+4965_1572+4967del (NM_001367247.1); c.1905+1100_1905+1102del (NM_000328.3); c.1602+4965_1602+4967del (NM_001367248.1); short protein forms E1002del.
Identifiers: ClinVar variation 1974886 (VCV001974886.5), dbSNP rs1555961406, ClinGen allele CA412729230.

ClinVar aggregate classification (germline): Uncertain significance (1 of 4 stars; one submission).

Conditions:
Primary ciliary dyskinesia. Also called: Ciliary dyskinesia. Identifiers: Orphanet 244, MedGen C0008780, MONDO:0016575, HP:0012265.

Submission:

Labcorp Genetics (formerly Invitae), Labcorp
Classification: Uncertain significance for Primary ciliary dyskinesia. Last evaluated: 2022-11-01. Review status: criteria provided, single submitter. Criteria: Invitae Variant Classification Sherloc (09022015). Collection method: clinical testing. Allele origin: germline.
Comment: In summary, the available evidence is currently insufficient to determine the role of this variant in disease. Therefore, it has been classified as a Variant of Uncertain Significance. Experimental studies and prediction algorithms are not available or were not evaluated, and the functional significance of this variant is currently unknown. This variant has not been reported in the literature in individuals affected with RPGR (ORF15)-related conditions. This variant is not present in population databases (gnomAD no frequency). This variant, c.3005_3007del, results in the deletion of 1 amino acid(s) of the RPGR (ORF15) protein (p.Glu1002del), but otherwise preserves the integrity of the reading frame.